The following is an entry in ClinVar:

NM_138386.3(NAF1):c.313G>T (p.Ala105Ser)

Gene: NAF1 (nuclear assembly factor 1 ribonucleoprotein; minus strand). Cytogenetic location: 4q32.2.
Variant type: single nucleotide variant.
Coding change: c.313G>T on transcript NM_138386.3 (MANE Select); coding-DNA position 313, G replaced by T.
Protein change: p.Ala105Ser; replaces alanine 105 with serine.
Molecular consequence: missense variant.
Genome position (GRCh38, 1-based): chr4:163,166,415, C>A on the plus strand (G>T on the coding strand, the complement: NAF1 is on the minus strand). VCF-style: chr4-163166415-C-A. GRCh37 (hg19) VCF-style: chr4-164087567-C-A.
Other names: c.313G>T (NM_138386.2); c.313G>T, p.Ala105Ser (NM_001128931.2); short protein forms A105S.
Identifiers: ClinVar variation 3015748 (VCV003015748.5), dbSNP rs370844754, ClinGen allele CA3126417.

ClinVar aggregate classification (germline): Uncertain significance. Review status: criteria provided, single submitter (1 of 4 stars). 2 submissions from 2 submitters: Uncertain significance (1). 1 of the submissions does not count toward it. Last evaluated 2024-01-29.

Conditions:
NAF1-related disorder. Also called: NAF1-related condition.

Allele frequency attached by ClinVar (database versions not stated): ExAC 0.00001; gnomAD exomes 0.00001; TOPMed 0.00003; ESP Exome Variant Server 0.00009.
gnomAD v4.1: 19 of 1,607,980 alleles (0.0012%); highest among the groups gnomAD compares: Non-Finnish European, 0.0016%; no homozygotes.

Submissions (2):

Labcorp Genetics (formerly Invitae), Labcorp
Classification: Uncertain significance. Last evaluated: 2024-01-29. Review status: criteria provided, single submitter. Criteria: Invitae Variant Classification Sherloc (09022015). Collection method: clinical testing. Allele origin: germline.
Comment: This sequence change replaces alanine, which is neutral and non-polar, with serine, which is neutral and polar, at codon 105 of the NAF1 protein (p.Ala105Ser). This variant is present in population databases (rs370844754, gnomAD 0.002%). This variant has not been reported in the literature in individuals affected with NAF1-related conditions. An algorithm developed to predict the effect of missense changes on protein structure and function (PolyPhen-2) suggests that this variant is likely to be tolerated. In summary, the available evidence is currently insufficient to determine the role of this variant in disease. Therefore, it has been classified as a Variant of Uncertain Significance.

PreventionGenetics, part of Exact Sciences
Classification: Uncertain significance for NAF1-related condition. Last evaluated: 2024-01-12. Review status: no assertion criteria provided. Collection method: clinical testing. Allele origin: germline. Not counted in ClinVar's aggregate classification.
Comment: The NAF1 c.313G>T variant is predicted to result in the amino acid substitution p.Ala105Ser. To our knowledge, this variant has not been reported in the literature. This variant is reported in 0.0019% of alleles in individuals of European (Non-Finnish) descent in gnomAD. At this time, the clinical significance of this variant is uncertain due to the absence of conclusive functional and genetic evidence.